The following is an entry in ClinVar:

NM_004415.4(DSP):c.6901A>G (p.Ile2301Val)

Gene: DSP (desmoplakin; plus strand). Cytogenetic location: 6p24.3.
Variant type: single nucleotide variant.
Coding change: c.6901A>G on transcript NM_004415.4 (MANE Select); coding-DNA position 6901, A replaced by G.
Protein change: p.Ile2301Val; replaces isoleucine 2301 with valine.
Molecular consequence: missense variant.
Genome position (GRCh38, 1-based): chr6:7,584,163, A>G. VCF-style: chr6-7584163-A-G. GRCh37 (hg19) VCF-style: chr6-7584396-A-G.
Other names: c.5104A>G, p.Ile1702Val (NM_001008844.3); c.5572A>G, p.Ile1858Val (NM_001319034.2); short protein forms I1702V, I2301V, I1858V.
Identifiers: ClinVar variation 2775354 (VCV002775354.2), dbSNP rs2533943099, ClinGen allele CA362691802.

ClinVar aggregate classification (germline): Uncertain significance (1 of 4 stars; one submission).

Conditions:
Cardiomyopathy (CMYO). Also called: Cardiomyopathies. Identifiers: Orphanet 167848, MedGen C0878544, MONDO:0004994, HP:0001638. Inheritance: Various modes of inheritance.

Allele frequency attached by ClinVar (database versions not stated): gnomAD exomes below 0.00001.

Submission:

Color Diagnostics, LLC DBA Color Health
Classification: Uncertain significance for Cardiomyopathy. Last evaluated: 2024-03-07. Review status: criteria provided, single submitter. Criteria: ACMG Guidelines, 2015. Collection method: clinical testing. Allele origin: germline.
Comment: This missense variant replaces isoleucine with valine at codon 2301 of the DSP protein. Computational prediction suggests that this variant may not impact protein structure and function (internally defined REVEL score threshold <= 0.5, PMID: 27666373). To our knowledge, functional studies have not been reported for this variant. This variant has not been reported in individuals affected with cardiovascular disorders in the literature. This variant has not been identified in the general population by the Genome Aggregation Database (gnomAD). The available evidence is insufficient to determine the role of this variant in disease conclusively. Therefore, this variant is classified as a Variant of Uncertain Significance.